The following is an entry in ClinVar:

ClinVar aggregate classification (germline): Conflicting classifications of pathogenicity. Review status: criteria provided, conflicting classifications (1 of 4 stars). 2 submissions from 2 submitters: Uncertain significance (1); Likely benign (1). Last evaluated 2023-09-26.

Allele frequency attached by ClinVar (database versions not stated): TOPMed 0.00002.
gnomAD v4.1: 34 of 1,610,562 alleles (0.0021%); highest among the groups gnomAD compares: Non-Finnish European, 0.0025%; no homozygotes.

Submissions (2):

Labcorp Genetics (formerly Invitae), Labcorp
Classification: Uncertain significance. Last evaluated: 2023-09-26. Review status: criteria provided, single submitter. Criteria: Invitae Variant Classification Sherloc (09022015). Collection method: clinical testing. Allele origin: germline.
Comment: In summary, the available evidence is currently insufficient to determine the role of this variant in disease. Therefore, it has been classified as a Variant of Uncertain Significance. An algorithm developed to predict the effect of missense changes on protein structure and function (PolyPhen-2) suggests that this variant is likely to be disruptive. ClinVar contains an entry for this variant (Variation ID: 1042079). This missense change has been observed in individual(s) with breast cancer (PMID: 25050558). This variant is present in population databases (no rsID available, gnomAD 0.003%). This sequence change replaces cysteine, which is neutral and slightly polar, with phenylalanine, which is neutral and non-polar, at codon 720 of the RINT1 protein (p.Cys720Phe).

Ambry Genetics
Classification: Likely benign. Last evaluated: 2020-07-02. Review status: criteria provided, single submitter. Criteria: Ambry Variant Classification Scheme 2023. Collection method: clinical testing. Allele origin: germline.

Literature cited by the submitters: PubMed 25050558 (cited by Labcorp Genetics (formerly Invitae), Labcorp).

NM_021930.6(RINT1):c.2159G>T (p.Cys720Phe)

Genes: EFCAB10 (EF-hand calcium binding domain 10; minus strand), RINT1 (RAD50 interactor 1; plus strand). Cytogenetic location: 7q22.3.
Variant type: single nucleotide variant.
Coding change: c.2159G>T on transcript NM_021930.6 (MANE Select); coding-DNA position 2159, G replaced by T.
Protein change: p.Cys720Phe; replaces cysteine 720 with phenylalanine.
Molecular consequence: missense variant. On other transcripts: non-coding transcript variant (1), intron variant (3).
Genome position (GRCh38, 1-based): chr7:105,565,621, G>T. VCF-style: chr7-105565621-G-T. GRCh37 (hg19) VCF-style: chr7-105206068-G-T.
Other names: c.1925G>T, p.Cys642Phe (NM_001346599.2); c.1136G>T, p.Cys379Phe (NM_001346600.2, NM_001346603.2); c.1235G>T, p.Cys412Phe (NM_001346601.2); c.360-174C>A (NM_001355531.2); c.384-174C>A (NM_001355526.2); c.384-6C>A (NM_001355530.2); short protein forms C412F, C642F, C720F, C379F.
Identifiers: ClinVar variation 1042079 (VCV001042079.11), dbSNP rs201892348, ClinGen allele CA368815274.